The following is an entry in ClinVar:

NM_000039.3(APOA1):c.419G>T (p.Arg140Leu)

Genes: APOA1 (apolipoprotein A1; minus strand), APOA1-AS (APOA1 antisense RNA; plus strand). Cytogenetic location: 11q23.3.
Variant type: single nucleotide variant.
Coding change: c.419G>T on transcript NM_000039.3 (MANE Select); coding-DNA position 419, G replaced by T.
Protein change: p.Arg140Leu; replaces arginine 140 with leucine.
Molecular consequence: missense variant. On other transcripts: non-coding transcript variant (1).
Genome position (GRCh38, 1-based): chr11:116,836,193, C>A on the plus strand (G>T on the coding strand, the complement: APOA1 is on the minus strand). VCF-style: chr11-116836193-C-A. GRCh37 (hg19) VCF-style: chr11-116706909-C-A.
Other names: c.419G>T, p.Arg140Leu (NM_001318017.2, NM_001318018.2, NM_001425090.1 and 1 more transcripts); c.92G>T, p.Arg31Leu (NM_001318021.2, NM_001425091.1, NM_001425092.1); short protein forms R140L, R31L.
Identifiers: ClinVar variation 3623673 (VCV003623673.4).
Genomic context (GRCh38, chr11:116,836,193, plus strand): 5'-TCGTGCAGCTTCTGGCGCGCGCCCTCTTGGAGCTCTGCGCGCAGCGGCTCCACCTTCTGG[C>A]GGTAGAGCTCCATCTCCTCCTGCCACTTCTTCTGGAAGTCGTCCAGGTAGGGCTGCACCT-3'
Protein context (NP_000030.1, residues 130-150): KKWQEEMELY[Arg140Leu]QKVEPLRAEL

ClinVar aggregate classification (germline): Uncertain significance. Review status: criteria provided, multiple submitters, no conflicts (2 of 4 stars). 3 submissions from 3 submitters: Uncertain significance (3). Last evaluated 2026-08-06.

Conditions:
Hypoalphalipoproteinemia, primary, 2, intermediate. Also called: HYPOALPHALIPOPROTEINEMIA, PRIMARY, 2, AUTOSOMAL DOMINANT. Identifiers: MedGen C5677030, MONDO:0859238, OMIM 619836.
Cardiovascular phenotype. Identifiers: MedGen CN230736.

Submissions (3):

OLLIN Analises Genomicas, OLLIN
Classification: Uncertain significance for Hypoalphalipoproteinemia, primary, 2, intermediate. Last evaluated: 2026-08-06. Review status: criteria provided, single submitter. Criteria: ACMG Guidelines 2015 PMID 25741868. Collection method: clinical testing. Allele origin: germline.
Comment: This missense variant, located in exon 4 (of 4), is absent from gnomAD and has not been identified in the literature. However, it has been reported in ClinVar (accession VCV003623673.3). In silico analysis predicts that this variant has a deleterious effect. According to the currently available evidence, this variant has been classified as uncertain significance (PM2_P, PP3).

Ambry Genetics
Classification: Uncertain significance for Cardiovascular phenotype. Last evaluated: 2025-05-30. Review status: criteria provided, single submitter. Criteria: Ambry Variant Classification Scheme 2023. Collection method: clinical testing. Allele origin: germline.
Comment: The p.R140L variant (also known as c.419G>T), located in coding exon 3 of the APOA1 gene, results from a G to T substitution at nucleotide position 419. The arginine at codon 140 is replaced by leucine, an amino acid with dissimilar properties. This amino acid position is conserved. In addition, the in silico prediction for this alteration is inconclusive. Based on the available evidence, the clinical significance of this variant remains unclear.

Labcorp Genetics (formerly Invitae), Labcorp
Classification: Uncertain significance. Last evaluated: 2024-07-22. Review status: criteria provided, single submitter. Criteria: Invitae Variant Classification Sherloc (09022015). Collection method: clinical testing. Allele origin: germline.
Comment: This sequence change replaces arginine, which is basic and polar, with leucine, which is neutral and non-polar, at codon 140 of the APOA1 protein (p.Arg140Leu). This variant is not present in population databases (gnomAD no frequency). This variant has not been reported in the literature in individuals affected with APOA1-related conditions. Advanced modeling of protein sequence and biophysical properties (such as structural, functional, and spatial information, amino acid conservation, physicochemical variation, residue mobility, and thermodynamic stability) performed at Invitae indicates that this missense variant is expected to disrupt APOA1 protein function with a positive predictive value of 80%. In summary, the available evidence is currently insufficient to determine the role of this variant in disease. Therefore, it has been classified as a Variant of Uncertain Significance.